The following is an entry in ClinVar:

NM_000183.3(HADHB):c.214A>G (p.Lys72Glu)

Gene: HADHB (hydroxyacyl-CoA dehydrogenase trifunctional multienzyme complex subunit beta; plus strand). Cytogenetic location: 2p23.3.
Variant type: single nucleotide variant.
Coding change: c.214A>G on transcript NM_000183.3 (MANE Select); coding-DNA position 214, A replaced by G.
Protein change: p.Lys72Glu; replaces lysine 72 with glutamic acid.
Molecular consequence: missense variant. On other transcripts: intron variant (1).
Genome position (GRCh38, 1-based): chr2:26,269,957, A>G. VCF-style: chr2-26269957-A-G. GRCh37 (hg19) VCF-style: chr2-26492825-A-G.
Other names: c.148A>G, p.Lys50Glu (NM_001281513.2); c.210-3694A>G (NM_001281512.2); short protein forms K50E, K72E.
Identifiers: ClinVar variation 1988430 (VCV001988430.1), dbSNP rs1375427320, ClinGen allele CA346107835.

ClinVar aggregate classification (germline): Uncertain significance (1 of 4 stars; one submission).

Conditions:
Mitochondrial trifunctional protein deficiency. Identifiers: Orphanet 746, MedGen C1969443, MONDO:0012172.

Allele frequency attached by ClinVar (database versions not stated): gnomAD exomes 0.00001; TOPMed 0.00001; gnomAD 0.00002.
gnomAD v4.1: 23 of 1,605,972 alleles (0.0014%); highest among the groups gnomAD compares: Non-Finnish European, 0.0019%; no homozygotes.

Submission:

Labcorp Genetics (formerly Invitae), Labcorp
Classification: Uncertain significance for Mitochondrial trifunctional protein deficiency. Last evaluated: 2022-11-01. Review status: criteria provided, single submitter. Criteria: Invitae Variant Classification Sherloc (09022015). Collection method: clinical testing. Allele origin: germline.
Comment: This sequence change replaces lysine, which is basic and polar, with glutamic acid, which is acidic and polar, at codon 72 of the HADHB protein (p.Lys72Glu). This variant is present in population databases (no rsID available, gnomAD 0.002%). This variant has not been reported in the literature in individuals affected with HADHB-related conditions. Advanced modeling of protein sequence and biophysical properties (such as structural, functional, and spatial information, amino acid conservation, physicochemical variation, residue mobility, and thermodynamic stability) performed at Invitae indicates that this missense variant is not expected to disrupt HADHB protein function. In summary, the available evidence is currently insufficient to determine the role of this variant in disease. Therefore, it has been classified as a Variant of Uncertain Significance.